The following is an entry in ClinVar:

NM_004174.4(SLC9A3):c.874A>C (p.Ile292Leu)

Gene: SLC9A3 (solute carrier family 9 member A3). Cytogenetic location: 5p15.33.
Variant type: single nucleotide variant.
Coding change: c.874A>C on transcript NM_004174.4 (MANE Select); coding-DNA position 874, A replaced by C.
Protein change: p.Ile292Leu; replaces isoleucine 292 with leucine.
Molecular consequence: missense variant.
Genome position (GRCh38, 1-based): chr5:484,578, T>G on the plus strand (A>C on the coding strand, the complement: SLC9A3 is on the minus strand). VCF-style: chr5-484578-T-G. GRCh37 (hg19) VCF-style: chr5-484693-T-G.
Other names: c.874A>C, p.Ile292Leu (NM_001284351.3); short protein forms I292L.
Identifiers: ClinVar variation 1345699 (VCV001345699.4), dbSNP rs761243160, ClinGen allele CA3176158.
Genomic context (GRCh38, chr5:484,578, plus strand): 5'-ACGCGAGGATGGCCGACAGCGACAGCATCTCGGACGTCAGGTAGGACAGGTAGGAGATGA[T>G]GAACACGAAGCCGGGCTCGATGATACGCACATGCTTGGTGAAGCGCGTCACCAGCGACAG-3'
Protein context (NP_004165.2, residues 282-302): VRIIEPGFVF[Ile292Leu]ISYLSYLTSE

ClinVar aggregate classification (germline): Uncertain significance (1 of 4 stars; one submission).

Allele frequency attached by ClinVar (database versions not stated): TOPMed below 0.00001; gnomAD exomes 0.00001; ExAC 0.00002.
gnomAD v4.1: 3 of 1,613,168 alleles (0.00019%); highest among the groups gnomAD compares: Admixed American, 0.0033%; no homozygotes.

Submission:

Labcorp Genetics (formerly Invitae), Labcorp
Classification: Uncertain significance. Last evaluated: 2021-05-18. Review status: criteria provided, single submitter. Criteria: Invitae Variant Classification Sherloc (09022015). Collection method: clinical testing. Allele origin: germline.
Comment: In summary, the available evidence is currently insufficient to determine the role of this variant in disease. Therefore, it has been classified as a Variant of Uncertain Significance. Algorithms developed to predict the effect of missense changes on protein structure and function are either unavailable or do not agree on the potential impact of this missense change (SIFT: "Not Available"; PolyPhen-2: "Benign"; Align-GVGD: "Not Available"). This variant has not been reported in the literature in individuals with SLC9A3-related conditions. This variant is present in population databases (rs761243160, ExAC 0.01%). This sequence change replaces isoleucine with leucine at codon 292 of the SLC9A3 protein (p.Ile292Leu). The isoleucine residue is weakly conserved and there is a small physicochemical difference between isoleucine and leucine.